The following is an entry in ClinVar:

NM_001963.6(EGF):c.*1435T>C

Gene: EGF (epidermal growth factor; plus strand). Cytogenetic location: 4q25.
Variant type: single nucleotide variant.
Coding change: c.*1435T>C on transcript NM_001963.6 (MANE Select); 1435 bases downstream of the stop codon, T replaced by C.
Molecular consequence: 3 prime UTR variant.
Genome position (GRCh38, 1-based): chr4:110,012,890, T>C. VCF-style: chr4-110012890-T-C. GRCh37 (hg19) VCF-style: chr4-110934046-T-C.
Other names: c.*1435T>C (NM_001178130.3, NM_001178131.3); c.*1578T>C (NM_001357021.2).
Identifiers: ClinVar variation 900183 (VCV000900183.4), dbSNP rs11569151, ClinGen allele CA103717274.

ClinVar aggregate classification (germline): Benign (1 of 4 stars; one submission).

Conditions:
Renal hypomagnesemia 4. Also called: HYPOMAGNESEMIA, RENAL, NORMOCALCIURIC. Identifiers: Orphanet 34527, MedGen C2673648, MONDO:0012717, OMIM 611718.

Allele frequency attached by ClinVar (database versions not stated): 1000 Genomes Project 0.00399; 1000 Genomes Project 30x 0.00437; gnomAD 0.00445 and 0.00474; TOPMed 0.00543.
gnomAD v4.1: 674 of 152,298 alleles (0.44%); highest among the groups gnomAD compares: African/African-American, 1.5%; 4 homozygotes.

Submission:

Illumina Laboratory Services, Illumina
Classification: Benign for Renal hypomagnesemia 4. Last evaluated: 2017-04-27. Review status: criteria provided, single submitter. Criteria: ICSL Variant Classification Criteria 13 December 2019. Collection method: clinical testing. Allele origin: germline.
Comment: This variant was observed as part of a predisposition screen in an ostensibly healthy population. A literature search was performed for the gene, cDNA change, and amino acid change (where applicable). No publications were found based on this search. Allele frequency data from public databases was too high to be consistent with this variant causing disease. Therefore, this variant is classified as benign.